The following is an entry in ClinVar:

ClinVar aggregate classification (germline): Conflicting classifications of pathogenicity. Review status: criteria provided, conflicting classifications (1 of 4 stars). 12 submissions from 10 submitters: Uncertain significance (3); Benign (2); Likely benign (7). Last evaluated 2026-01-16.

Conditions:
Cardiovascular phenotype. Identifiers: MedGen CN230736.
Cardiomyopathy (CMYO). Also called: Cardiomyopathies. Identifiers: Orphanet 167848, MedGen C0878544, MONDO:0004994, HP:0001638. Inheritance: Various modes of inheritance.
Arrhythmogenic cardiomyopathy with wooly hair and keratoderma. Also called: Dilated cardiomyopathy with woolly hair and keratoderma; Carvajal syndrome; PALMOPLANTAR KERATODERMA WITH LEFT VENTRICULAR CARDIOMYOPATHY AND WOOLLY HAIR; Arrhythmogenic cardiomyopathy with woolly hair and keratoderma. Identifiers: Orphanet 65282, MedGen C1854063, MONDO:0011581, OMIM 605676.
Arrhythmogenic right ventricular dysplasia 8 (ARVD8). Also called: Arrhythmogenic Right Ventricular Dysplasia/Cardiomyopathy 8; ARRHYTHMOGENIC RIGHT VENTRICULAR DYSPLASIA, FAMILIAL, 8; ARRHYTHMOGENIC RIGHT VENTRICULAR CARDIOMYOPATHY 8. Identifiers: MedGen C1843896, MONDO:0011831, OMIM 607450.
Woolly hair-skin fragility syndrome (WHSF). Identifiers: Orphanet 293165, MedGen C1843292, MONDO:0957307, OMIM 620415.
Lethal acantholytic epidermolysis bullosa (EBLA). Identifiers: Orphanet 158687, MedGen C1864826, MONDO:0012323, OMIM 609638.

Allele frequency attached by ClinVar (database versions not stated): 1000 Genomes Project 30x 0.00016; ExAC 0.00026; gnomAD 0.00042 and 0.00045; TOPMed 0.00046; ESP Exome Variant Server 0.00054.
gnomAD v4.1: 1,261 of 1,614,148 alleles (0.078%); highest among the groups gnomAD compares: Non-Finnish European, 0.1%; 1 homozygote.

Submissions (12):

Labcorp Genetics (formerly Invitae), Labcorp
Classification: Likely benign for Arrhythmogenic cardiomyopathy with wooly hair and keratoderma; Arrhythmogenic right ventricular dysplasia 8. Last evaluated: 2026-01-16. Review status: criteria provided, single submitter. Criteria: Invitae Variant Classification Sherloc (09022015). Collection method: clinical testing. Allele origin: germline.

CeGaT Center for Human Genetics Tuebingen
Classification: Likely benign. Last evaluated: 2025-05-01. Review status: criteria provided, single submitter. Criteria: CeGaT Center For Human Genetics Tuebingen Variant Classification Criteria Version 2. Collection method: clinical testing. Allele origin: germline. Affected: yes. Observed: 4 variant alleles.
Comment: DSP: BP4, BP7

Blueprint Genetics
Classification: Likely benign. Last evaluated: 2024-10-02. Review status: criteria provided, single submitter. Criteria: ACMG Guidelines, 2015. Collection method: clinical testing. Allele origin: germline.

All of Us Research Program, National Institutes of Health
Classification: Likely benign for Arrhythmogenic cardiomyopathy with wooly hair and keratoderma. Last evaluated: 2024-02-05. Review status: criteria provided, single submitter. Criteria: ACMG Guidelines, 2015. Collection method: clinical testing. Allele origin: germline. Inheritance: Autosomal dominant inheritance. Observed: 125 variant alleles, 125 heterozygotes.
Comment: This study involves interpretation of variants in research participants for the purpose of population health screening. Participant phenotype was not available at the time of variant classification. Additional details can be found in publication PMID: 35346344, PMCID: PMC8962531

Women's Health and Genetics/Laboratory Corporation of America, LabCorp
Classification: Benign. Last evaluated: 2019-02-11. Review status: criteria provided, single submitter. Criteria: LabCorp Variant Classification Summary - May 2015. Collection method: clinical testing. Allele origin: germline.
Comment: Variant summary: DSP c.3123C>T alters a non-conserved nucleotide resulting in a synonymous change. 5/5 computational tools predict no significant impact on normal splicing. However, these predictions have yet to be confirmed by functional studies. The variant allele was found at a frequency of 0.00032 in 276982 control chromosomes, predominantly at a frequency of 0.00069 within the Non-Finnish European subpopulation in the gnomAD database. The observed variant frequency within Non-Finnish European control individuals in the gnomAD database is approximately 28 fold of the estimated maximal expected allele frequency for a pathogenic variant in DSP causing Cardiomyopathy phenotype (2.5e-05), strongly suggesting that the variant is a benign polymorphism found primarily in populations of Non-Finnish European origin. To our knowledge, no occurrence of c.3123C>T in individuals affected with Cardiomyopathy and no experimental evidence demonstrating its impact on protein function have been reported. Two ClinVar submissions from clinical diagnostic laboratories (evaluation after 2014) cite the variant as likely benign. Based on the evidence outlined above, the variant was classified as benign.

Color Diagnostics, LLC DBA Color Health
Classification: Likely benign for Cardiomyopathy. Last evaluated: 2018-06-18. Review status: criteria provided, single submitter. Criteria: ACMG Guidelines, 2015. Collection method: clinical testing. Allele origin: germline.

Illumina Laboratory Services, Illumina
Classification: Uncertain significance for Arrhythmogenic right ventricular dysplasia 8. Last evaluated: 2018-01-13. Review status: criteria provided, single submitter. Criteria: ICSL Variant Classification Criteria 13 December 2019. Collection method: clinical testing. Allele origin: germline.

Illumina Laboratory Services, Illumina
Classification: Uncertain significance for Arrhythmogenic cardiomyopathy with wooly hair and keratoderma. Last evaluated: 2018-01-13. Review status: criteria provided, single submitter. Criteria: ICSL Variant Classification Criteria 13 December 2019. Collection method: clinical testing. Allele origin: germline.

Illumina Laboratory Services, Illumina
Classification: Uncertain significance for Lethal acantholytic epidermolysis bullosa. Last evaluated: 2018-01-13. Review status: criteria provided, single submitter. Criteria: ICSL Variant Classification Criteria 13 December 2019. Collection method: clinical testing. Allele origin: germline.

Ambry Genetics
Classification: Likely benign for Cardiovascular phenotype. Last evaluated: 2016-12-09. Review status: criteria provided, single submitter. Criteria: Ambry Variant Classification Scheme 2023. Collection method: clinical testing. Allele origin: germline.

GeneDx
Classification: Benign. Last evaluated: 2015-03-03. Review status: criteria provided, single submitter. Criteria: GeneDx Variant Classification Process June 2021. Collection method: clinical testing. Allele origin: germline. Affected: yes.

Laboratory for Molecular Medicine, Mass General Brigham Personalized Medicine
Classification: Likely benign. Last evaluated: 2009-06-15. Review status: criteria provided, single submitter. Criteria: LMM Criteria. Collection method: clinical testing. Allele origin: germline. Observed: 1 variant allele.

NM_004415.4(DSP):c.3123C>T (p.Leu1041=)

Gene: DSP (desmoplakin; plus strand). Cytogenetic location: 6p24.3.
Variant type: single nucleotide variant.
Coding change: c.3123C>T on transcript NM_004415.4 (MANE Select); coding-DNA position 3123, C replaced by T.
Protein change: p.Leu1041=; no amino-acid change (leucine 1041 retained).
Molecular consequence: synonymous variant.
Genome position (GRCh38, 1-based): chr6:7,579,313, C>T. VCF-style: chr6-7579313-C-T. GRCh37 (hg19) VCF-style: chr6-7579546-C-T.
Other names: c.3123C>T, p.Leu1041= (NM_001008844.3, NM_001319034.2).
Identifiers: ClinVar variation 44890 (VCV000044890.61), dbSNP rs149929637, ClinGen allele CA005735.
Genomic context (GRCh38, chr6:7,579,313, plus strand): 5'-AATCTCTGATTTCATTCCACAGCTGAAAAATACCAAGATCGAAGTTTTGGAAGAGGAGCT[C>T]AGACTGGCCCGAGATGCCAACTCGGAAAACTGTAATAAGAACAAATTCCTGGATCAGAAC-3'
Protein context (NP_004406.2, residues 1031-1051): NTKIEVLEEE[Leu1041=]RLARDANSEN